The following is an entry in ClinVar:

NM_014055.4(IFT81):c.1618G>A (p.Glu540Lys)

Gene: IFT81 (intraflagellar transport 81; plus strand). Cytogenetic location: 12q24.11.
Variant type: single nucleotide variant.
Coding change: c.1618G>A on transcript NM_014055.4 (MANE Select); coding-DNA position 1618, G replaced by A.
Protein change: p.Glu540Lys; replaces glutamic acid 540 with lysine.
Molecular consequence: missense variant. On other transcripts: non-coding transcript variant (4).
Genome position (GRCh38, 1-based): chr12:110,203,924, G>A. VCF-style: chr12-110203924-G-A. GRCh37 (hg19) VCF-style: chr12-110641729-G-A.
Other names: c.1618G>A (NM_014055.3); c.1618G>A, p.Glu540Lys (NM_001143779.2); c.688G>A, p.Glu230Lys (NM_001347947.2, NM_001347948.2); short protein forms E230K, E540K.
Identifiers: ClinVar variation 2046561 (VCV002046561.2), dbSNP rs549244328, ClinGen allele CA6783419.
Genomic context (GRCh38, chr12:110,203,924, plus strand): 5'-GAACTGACCCAGGAGTGTGATGAAAAGAAATCCCAGTATGATAGCTGTGCAGCAGGCCTC[G>A]AAAGCAATCGGTCCAAATTAGAACAGGTAAGAAGAGAGTTTTTATTTTAACAATTTAGCA-3'
Protein context (NP_054774.2, residues 530-550): SQYDSCAAGL[Glu540Lys]SNRSKLEQEV

ClinVar aggregate classification (germline): Uncertain significance. Review status: criteria provided, multiple submitters, no conflicts (2 of 4 stars). 2 submissions from 2 submitters: Uncertain significance (2). Last evaluated 2025-11-03.

Conditions:
Inborn genetic diseases. Identifiers: MedGen C0950123, MeSH D030342.

Allele frequency attached by ClinVar (database versions not stated): TOPMed 0.00001; gnomAD 0.00001; ExAC 0.00003.
gnomAD v4.1: 31 of 1,613,108 alleles (0.0019%); highest among the groups gnomAD compares: Middle Eastern, 0.016%; no homozygotes.

Submissions (2):

Ambry Genetics
Classification: Uncertain significance for Inborn genetic diseases. Last evaluated: 2025-11-03. Review status: criteria provided, single submitter. Criteria: Ambry Variant Classification Scheme 2023. Collection method: clinical testing. Allele origin: germline.

Labcorp Genetics (formerly Invitae), Labcorp
Classification: Uncertain significance. Last evaluated: 2022-10-17. Review status: criteria provided, single submitter. Criteria: Invitae Variant Classification Sherloc (09022015). Collection method: clinical testing. Allele origin: germline.
Comment: This sequence change replaces glutamic acid, which is acidic and polar, with lysine, which is basic and polar, at codon 540 of the IFT81 protein (p.Glu540Lys). This variant is present in population databases (rs549244328, gnomAD 0.006%). This variant has not been reported in the literature in individuals affected with IFT81-related conditions. Algorithms developed to predict the effect of missense changes on protein structure and function (SIFT, PolyPhen-2, Align-GVGD) all suggest that this variant is likely to be tolerated. In summary, the available evidence is currently insufficient to determine the role of this variant in disease. Therefore, it has been classified as a Variant of Uncertain Significance.